The following is an entry in ClinVar:

ClinVar aggregate classification (germline): Uncertain significance (1 of 4 stars; one submission).

Submission:

Labcorp Genetics (formerly Invitae), Labcorp
Classification: Uncertain significance. Last evaluated: 2021-12-19. Review status: criteria provided, single submitter. Criteria: Invitae Variant Classification Sherloc (09022015). Collection method: clinical testing. Allele origin: germline.
Comment: This variant has not been reported in the literature in individuals affected with CACNA2D4-related conditions. In summary, the available evidence is currently insufficient to determine the role of this variant in disease. Therefore, it has been classified as a Variant of Uncertain Significance. Experimental studies and prediction algorithms are not available or were not evaluated, and the functional significance of this variant is currently unknown. This variant is a gross deletion of the genomic region encompassing exon(s) 21-23 of the CACNA2D4 gene. This deletion is out-of-frame, and is expected to create a premature translational stop signal and result in an absent or disrupted protein product. However, the current clinical and genetic evidence is not sufficient to establish whether loss-of-function variants in CACNA2D4 cause disease.

NC_000012.11:g.(?_1963097)_(1965415_?)del

Gene: CACNA2D4 (calcium voltage-gated channel auxiliary subunit alpha2delta 4; minus strand). Cytogenetic location: 12p13.33.
Variant type: Deletion.
Identifiers: ClinVar variation 2427495 (VCV002427495.3).